The following is an entry in ClinVar:

ClinVar aggregate classification (germline): Likely pathogenic (1 of 4 stars; one submission).

Conditions:
Fraser syndrome 1 (FRASRS1). Also called: CRYPTOPHTHALMOS WITH OTHER MALFORMATIONS. Identifiers: Orphanet 2052, MedGen C4551480, MONDO:0054737, OMIM 219000.

Submission:

Juno Genomics, Hangzhou Juno Genomics, Inc
Classification: Likely pathogenic for Fraser syndrome 1. Review status: criteria provided, single submitter. Criteria: ACMG Guidelines, 2015. Collection method: clinical testing. Allele origin: germline. Affected: yes.
Comment: Absent from controls (or at extremely low frequency if recessive) in Genome Aggregation Database, Exome Sequencing Project, 1000 Genomes Project, or Exome Aggregation Consortium.;Null variant in a gene where loss of function (LOF) is a known mechanism of disease.

NM_025074.7(FRAS1):c.11092+2T>C

Genes: FRAS1 (Fraser extracellular matrix complex subunit 1; plus strand), LOC126807089 (CDK7 strongly-dependent group 2 enhancer GRCh37_chr4:79455131-79456330; plus strand). Cytogenetic location: 4q21.21.
Variant type: single nucleotide variant.
Coding change: c.11092+2T>C on transcript NM_025074.7 (MANE Select); the canonical splice donor site of the intron after coding-DNA position 11092, T replaced by C.
Molecular consequence: splice donor variant.
Genome position (GRCh38, 1-based): chr4:78,534,617, T>C. VCF-style: chr4-78534617-T-C. GRCh37 (hg19) VCF-style: chr4-79455771-T-C.
Identifiers: ClinVar variation 3899357 (VCV003899357.2).